The following is an entry in ClinVar:

ClinVar aggregate classification (germline): Uncertain significance (1 of 4 stars; one submission).

Allele frequency attached by ClinVar (database versions not stated): ExAC 0.00001; gnomAD 0.00001; TOPMed 0.00001.
gnomAD v4.1: 24 of 1,612,420 alleles (0.0015%); highest among the groups gnomAD compares: Non-Finnish European, 0.002%; no homozygotes.

Submission:

Labcorp Genetics (formerly Invitae), Labcorp
Classification: Uncertain significance. Last evaluated: 2022-08-06. Review status: criteria provided, single submitter. Criteria: Invitae Variant Classification Sherloc (09022015). Collection method: clinical testing. Allele origin: germline.
Comment: This sequence change replaces glycine, which is neutral and non-polar, with arginine, which is basic and polar, at codon 855 of the RBBP8 protein (p.Gly855Arg). This variant is present in population databases (rs776152673, gnomAD 0.004%). This variant has not been reported in the literature in individuals affected with RBBP8-related conditions. Algorithms developed to predict the effect of missense changes on protein structure and function are either unavailable or do not agree on the potential impact of this missense change (SIFT: "Deleterious"; PolyPhen-2: "Probably Damaging"; Align-GVGD: "Class C15"). In summary, the available evidence is currently insufficient to determine the role of this variant in disease. Therefore, it has been classified as a Variant of Uncertain Significance.

NM_002894.3(RBBP8):c.2563G>C (p.Gly855Arg)

Gene: RBBP8 (RB binding protein 8, endonuclease; plus strand). Cytogenetic location: 18q11.2.
Variant type: single nucleotide variant.
Coding change: c.2563G>C on transcript NM_002894.3 (MANE Select); coding-DNA position 2563, G replaced by C.
Protein change: p.Gly855Arg; replaces glycine 855 with arginine.
Molecular consequence: missense variant.
Genome position (GRCh38, 1-based): chr18:23,022,237, G>C. VCF-style: chr18-23022237-G-C. GRCh37 (hg19) VCF-style: chr18-20602200-G-C.
Other names: c.2563G>C, p.Gly855Arg (NM_203291.2); c.2466G>C, p.Leu822Phe (NM_203292.2); short protein forms L822F, G855R.
Identifiers: ClinVar variation 1911016 (VCV001911016.2), dbSNP rs776152673, ClinGen allele CA8910400.